The following is an entry in ClinVar:

NM_018180.3(DHX32):c.166C>G (p.Leu56Val)

Gene: DHX32 (DEAH-box helicase 32 (putative); minus strand). Cytogenetic location: 10q26.2.
Variant type: single nucleotide variant.
Coding change: c.166C>G on transcript NM_018180.3 (MANE Select); coding-DNA position 166, C replaced by G.
Protein change: p.Leu56Val; replaces leucine 56 with valine.
Molecular consequence: missense variant.
Genome position (GRCh38, 1-based): chr10:125,880,659, G>C on the plus strand (C>G on the coding strand, the complement: DHX32 is on the minus strand). VCF-style: chr10-125880659-G-C. GRCh37 (hg19) VCF-style: chr10-127569228-G-C.
Other names: short protein forms L56V.
Identifiers: ClinVar variation 2079435 (VCV002079435.4), dbSNP rs61757588, ClinGen allele CA5739513.

ClinVar aggregate classification (germline): Uncertain significance (1 of 4 stars; one submission).

Allele frequency attached by ClinVar (database versions not stated): gnomAD 0.00007; ESP Exome Variant Server 0.00038; 1000 Genomes Project 30x 0.00016; 1000 Genomes Project 0.00020; TOPMed 0.00008.

Submission:

Labcorp Genetics (formerly Invitae), Labcorp
Classification: Uncertain significance. Last evaluated: 2023-03-24. Review status: criteria provided, single submitter. Criteria: Invitae Variant Classification Sherloc (09022015). Collection method: clinical testing. Allele origin: germline.
Comment: This sequence change replaces leucine, which is neutral and non-polar, with valine, which is neutral and non-polar, at codon 56 of the DHX32 protein (p.Leu56Val). This variant is present in population databases (rs61757588, gnomAD 0.008%). This variant has not been reported in the literature in individuals affected with DHX32-related conditions. ClinVar contains an entry for this variant (Variation ID: 2079435). An algorithm developed to predict the effect of missense changes on protein structure and function (PolyPhen-2) suggests that this variant is likely to be disruptive. In summary, the available evidence is currently insufficient to determine the role of this variant in disease. Therefore, it has been classified as a Variant of Uncertain Significance.